The following is an entry in ClinVar:

NM_203447.4(DOCK8):c.6022C>T (p.Arg2008Ter)

Gene: DOCK8 (dedicator of cytokinesis 8; plus strand). Cytogenetic location: 9p24.3.
Variant type: single nucleotide variant.
Coding change: c.6022C>T on transcript NM_203447.4 (MANE Select); coding-DNA position 6022, C replaced by T.
Protein change: p.Arg2008Ter; replaces arginine 2008 with a stop codon.
Molecular consequence: nonsense.
Genome position (GRCh38, 1-based): chr9:452,071, C>T. VCF-style: chr9-452071-C-T. GRCh37 (hg19) VCF-style: chr9-452071-C-T.
Other names: c.5722C>T, p.Arg1908Ter (NM_001190458.2); c.5818C>T, p.Arg1940Ter (NM_001193536.2); short protein forms R1908*, R1940*, R2008*.
Identifiers: ClinVar variation 2868856 (VCV002868856.4), dbSNP rs1418593569, ClinGen allele CA372769753.

ClinVar aggregate classification (germline): Pathogenic/Likely pathogenic. Review status: criteria provided, multiple submitters, no conflicts (2 of 4 stars). 2 submissions from 2 submitters: Pathogenic (1); Likely pathogenic (1). Last evaluated 2024-06-19.

Conditions:
Combined immunodeficiency due to DOCK8 deficiency (HIES2). Also called: HIES autosomal recessive; Hyper-IgE recurrent infection syndrome, autosomal recessive; DOCK8 Deficiency; HYPER-IgE RECURRENT INFECTION SYNDROME 2, AUTOSOMAL RECESSIVE; HYPER-IgE SYNDROME 2, AUTOSOMAL RECESSIVE, WITH RECURRENT INFECTIONS. Identifiers: Orphanet 217390, MedGen C4722305, MONDO:0009478, OMIM 243700.

Submissions (2):

Fulgent Genetics
Classification: Likely pathogenic for Combined immunodeficiency due to DOCK8 deficiency. Last evaluated: 2024-06-19. Review status: criteria provided, single submitter. Criteria: ACMG Guidelines, 2015. Collection method: clinical testing. Allele origin: germline.

Labcorp Genetics (formerly Invitae), Labcorp
Classification: Pathogenic for Combined immunodeficiency due to DOCK8 deficiency. Last evaluated: 2023-08-19. Review status: criteria provided, single submitter. Criteria: Invitae Variant Classification Sherloc (09022015). Collection method: clinical testing. Allele origin: germline.
Comment: For these reasons, this variant has been classified as Pathogenic. This variant has not been reported in the literature in individuals affected with DOCK8-related conditions. This variant is not present in population databases (gnomAD no frequency). This sequence change creates a premature translational stop signal (p.Arg2008*) in the DOCK8 gene. It is expected to result in an absent or disrupted protein product. Loss-of-function variants in DOCK8 are known to be pathogenic (PMID: 14722525, 19776401).

Literature cited by the submitters: PubMed 14722525 (cited by Labcorp Genetics (formerly Invitae), Labcorp); PubMed 19776401 (cited by Labcorp Genetics (formerly Invitae), Labcorp).